The following is an entry in ClinVar:

ClinVar aggregate classification (germline): Pathogenic. Review status: criteria provided, multiple submitters, no conflicts (2 of 4 stars). 2 submissions from 2 submitters: Pathogenic (2). Last evaluated 2025-06-30.

Conditions:
Polycystic kidney disease, adult type (PKD1). Also called: Polycystic Kidney, Autosomal Dominant; POLYCYSTIC KIDNEY DISEASE, ADULT, TYPE I; Polycystic Kidney Disease 1, Autosomal Dominant; Polycystic kidney disease 1; Polycystic kidney disease 1, severe; POLYCYSTIC KIDNEY DISEASE 1 WITH OR WITHOUT POLYCYSTIC LIVER DISEASE. Identifiers: MedGen C3149841, MONDO:0008263, OMIM 173900.
PKD1-related disorder. Also called: PKD1-related condition.

Submissions (2):

Victorian Clinical Genetics Services, Murdoch Childrens Research Institute
Classification: Pathogenic for Polycystic kidney disease, adult type. Last evaluated: 2025-06-30. Review status: criteria provided, single submitter. Criteria: ACMG Guidelines, 2015. Collection method: clinical testing. Allele origin: germline. Affected: yes.
Comment: This variant is classified as Pathogenic. Evidence in support of pathogenic classification: Canonical splice site variant without proven consequence on splicing (no functional evidence available); Variant is absent from gnomAD (v2, v3 and v4); This variant has limited previous evidence of pathogenicity in an unrelated individual. This variant has been reported in the literature in an affected mother and fetus (PMID: 35711925); Other splice site variants comparable to the one identified in this case have strong previous evidence for pathogenicity. A c.2853+1G>A change has been classified as pathogenic by multiple clinical laboratories in ClinVar. In addition, the c.2853+1G>T and c.2853+5G>T variants have been reported in the literature in affected individuals (PMIDs: 32816041, 24611717); Abnormal splicing is predicted by in silico tool and affected nucleotide is highly conserved. Additional information: This variant is heterozygous; This gene is associated with autosomal dominant disease. Polycystic kidney disease 1 (MIM#173900) is predominantly caused by monoallelic variants, with rare reports of biallelic variants causing disease (OMIM); No published functional evidence has been identified for this variant; Loss of function is a known mechanism of disease in this gene and is associated with polycystic kidney disease 1 (MIM#173900); This variant has been shown to be maternally inherited (by an external laboratory).

Blueprint Genetics
Classification: Pathogenic for PKD1-related disorders. Last evaluated: 2022-06-21. Review status: criteria provided, single submitter. Criteria: ACMG Guidelines, 2015. Collection method: clinical testing. Allele origin: germline. Affected: yes. Observed: 2 variant alleles.

Literature cited by the submitters: PubMed 24611717 (cited by Victorian Clinical Genetics Services, Murdoch Childrens Research Institute); PubMed 32816041 (cited by Victorian Clinical Genetics Services, Murdoch Childrens Research Institute); PubMed 35711925 (cited by Victorian Clinical Genetics Services, Murdoch Childrens Research Institute).

NM_001009944.3(PKD1):c.2853+2T>C

Gene: PKD1 (polycystin 1, transient receptor potential channel interacting; minus strand). Cytogenetic location: 16p13.3.
Variant type: single nucleotide variant.
Coding change: c.2853+2T>C on transcript NM_001009944.3 (MANE Select); the canonical splice donor site of the intron after coding-DNA position 2853, T replaced by C.
Molecular consequence: splice donor variant.
Genome position (GRCh38, 1-based): chr16:2,114,168, A>G on the plus strand (T>C on the coding strand, the complement: PKD1 is on the minus strand). VCF-style: chr16-2114168-A-G. GRCh37 (hg19) VCF-style: chr16-2164169-A-G.
Other names: c.2853+2T>C (NM_000296.4).
Identifiers: ClinVar variation 4531582 (VCV004531582.2).